The following is an entry in ClinVar:

ClinVar aggregate classification (germline): Uncertain significance (1 of 4 stars; one submission).

Submission:

Labcorp Genetics (formerly Invitae), Labcorp
Classification: Uncertain significance. Last evaluated: 2023-03-09. Review status: criteria provided, single submitter. Criteria: Invitae Variant Classification Sherloc (09022015). Collection method: clinical testing. Allele origin: germline.
Comment: This sequence change replaces glutamine, which is neutral and polar, with histidine, which is basic and polar, at codon 338 of the POC5 protein (p.Gln338His). This variant is not present in population databases (gnomAD no frequency). This variant has not been reported in the literature in individuals affected with POC5-related conditions. An algorithm developed to predict the effect of missense changes on protein structure and function (PolyPhen-2) suggests that this variant is likely to be disruptive. In summary, the available evidence is currently insufficient to determine the role of this variant in disease. Therefore, it has been classified as a Variant of Uncertain Significance.

NM_001099271.2(POC5):c.1014A>T (p.Gln338His)

Gene: POC5 (POC5 centriolar protein; minus strand). Cytogenetic location: 5q13.3.
Variant type: single nucleotide variant.
Coding change: c.1014A>T on transcript NM_001099271.2 (MANE Select); coding-DNA position 1014, A replaced by T.
Protein change: p.Gln338His; replaces glutamine 338 with histidine.
Molecular consequence: missense variant.
Genome position (GRCh38, 1-based): chr5:75,689,127, T>A on the plus strand (A>T on the coding strand, the complement: POC5 is on the minus strand). VCF-style: chr5-75689127-T-A. GRCh37 (hg19) VCF-style: chr5-74984952-T-A.
Other names: c.939A>T, p.Gln313His (NM_152408.3); short protein forms Q313H, Q338H.
Identifiers: ClinVar variation 2788730 (VCV002788730.3), dbSNP rs1272894873, ClinGen allele CA360145853.
Genomic context (GRCh38, chr5:75,689,127, plus strand): 5'-ACCCCTCATGAAAGCTTTTTTCATGGAATCTTCAAAGTGCTCTTTTTCATGTTGCATTCT[T>A]TGAATCTCAGCTTTTGCATTTTCCAAAGCTCCAGATAACTAAAATAAGAATGTTTAAAAA-3'
Protein context (NP_001092741.1, residues 328-348): GALENAKAEI[Gln338His]RMQHEKEHFE